The following is an entry in ClinVar:

ClinVar aggregate classification (germline): Uncertain significance. Review status: criteria provided, multiple submitters, no conflicts (2 of 4 stars). 3 submissions from 3 submitters: Uncertain significance (3). Last evaluated 2023-12-03.

Conditions:
Progressive familial heart block type IB (PFHB1B). Identifiers: Orphanet 871, MedGen C1970298, MONDO:0011474, OMIM 604559.
Cardiovascular phenotype. Identifiers: MedGen CN230736.

Allele frequency attached by ClinVar (database versions not stated): gnomAD 0.00001; TOPMed 0.00001; ESP Exome Variant Server 0.00015.
gnomAD v4.1: 7 of 1,613,962 alleles (0.00043%); no homozygotes.

Submissions (3):

Women's Health and Genetics/Laboratory Corporation of America, LabCorp
Classification: Uncertain significance. Last evaluated: 2023-12-03. Review status: criteria provided, single submitter. Criteria: LabCorp Variant Classification Summary - May 2015. Collection method: clinical testing. Allele origin: germline.

Labcorp Genetics (formerly Invitae), Labcorp
Classification: Uncertain significance for Progressive familial heart block type IB. Last evaluated: 2023-11-02. Review status: criteria provided, single submitter. Criteria: Invitae Variant Classification Sherloc (09022015). Collection method: clinical testing. Allele origin: germline.
Comment: This sequence change replaces methionine, which is neutral and non-polar, with valine, which is neutral and non-polar, at codon 599 of the TRPM4 protein (p.Met599Val). This variant is present in population databases (rs139753455, gnomAD 0.02%). This variant has not been reported in the literature in individuals affected with TRPM4-related conditions. ClinVar contains an entry for this variant (Variation ID: 1432775). An algorithm developed to predict the effect of missense changes on protein structure and function (PolyPhen-2) suggests that this variant is likely to be tolerated. In summary, the available evidence is currently insufficient to determine the role of this variant in disease. Therefore, it has been classified as a Variant of Uncertain Significance.

Ambry Genetics
Classification: Uncertain significance for Cardiovascular phenotype. Last evaluated: 2022-07-05. Review status: criteria provided, single submitter. Criteria: Ambry Variant Classification Scheme 2023. Collection method: clinical testing. Allele origin: germline.
Comment: The p.M599V variant (also known as c.1795A>G), located in coding exon 13 of the TRPM4 gene, results from an A to G substitution at nucleotide position 1795. The methionine at codon 599 is replaced by valine, an amino acid with highly similar properties. This amino acid position is conserved. In addition, this alteration is predicted to be tolerated by in silico analysis. Since supporting evidence is limited at this time, the clinical significance of this alteration remains unclear.

NM_017636.4(TRPM4):c.1795A>G (p.Met599Val)

Gene: TRPM4 (transient receptor potential cation channel subfamily M member 4; plus strand). Cytogenetic location: 19q13.33.
Variant type: single nucleotide variant.
Coding change: c.1795A>G on transcript NM_017636.4 (MANE Select); coding-DNA position 1795, A replaced by G.
Protein change: p.Met599Val; replaces methionine 599 with valine.
Molecular consequence: missense variant.
Genome position (GRCh38, 1-based): chr19:49,188,692, A>G. VCF-style: chr19-49188692-A-G. GRCh37 (hg19) VCF-style: chr19-49691949-A-G.
Other names: c.1795A>G, p.Met599Val (NM_001195227.2); c.1450A>G, p.Met484Val (NM_001321281.2); c.187A>G, p.Met63Val (NM_001321282.2); c.1273A>G, p.Met425Val (NM_001321283.2); c.733A>G, p.Met245Val (NM_001321285.2); short protein forms M425V, M484V, M63V, M245V, M599V.
Identifiers: ClinVar variation 1432775 (VCV001432775.12), dbSNP rs139753455, ClinGen allele CA309446726.